The following is an entry in ClinVar:

NM_004859.4(CLTC):c.2888G>A (p.Ser963Asn)

Gene: CLTC (clathrin heavy chain; plus strand). Cytogenetic location: 17q23.1.
Variant type: single nucleotide variant.
Coding change: c.2888G>A on transcript NM_004859.4 (MANE Select); coding-DNA position 2888, G replaced by A.
Protein change: p.Ser963Asn; replaces serine 963 with asparagine.
Molecular consequence: missense variant.
Genome position (GRCh38, 1-based): chr17:59,679,488, G>A. VCF-style: chr17-59679488-G-A. GRCh37 (hg19) VCF-style: chr17-57756849-G-A.
Other names: c.2900G>A, p.Ser967Asn (NM_001288653.2); short protein forms S963N, S967N.
Identifiers: ClinVar variation 3667049 (VCV003667049.2).

ClinVar aggregate classification (germline): Uncertain significance (1 of 4 stars; one submission).

Submission:

Labcorp Genetics (formerly Invitae), Labcorp
Classification: Uncertain significance. Last evaluated: 2024-11-03. Review status: criteria provided, single submitter. Criteria: Invitae Variant Classification Sherloc (09022015). Collection method: clinical testing. Allele origin: germline.
Comment: This sequence change replaces serine, which is neutral and polar, with asparagine, which is neutral and polar, at codon 967 of the CLTC protein (p.Ser967Asn). This variant is not present in population databases (gnomAD no frequency). This variant has not been reported in the literature in individuals affected with CLTC-related conditions. Invitae Evidence Modeling of protein sequence and biophysical properties (such as structural, functional, and spatial information, amino acid conservation, physicochemical variation, residue mobility, and thermodynamic stability) indicates that this missense variant is not expected to disrupt CLTC protein function with a negative predictive value of 80%. In summary, the available evidence is currently insufficient to determine the role of this variant in disease. Therefore, it has been classified as a Variant of Uncertain Significance.